The following is an entry in ClinVar:

NM_001136191.3(KANK2):c.377G>A (p.Arg126His)

Gene: KANK2 (KN motif and ankyrin repeat domains 2; minus strand). Cytogenetic location: 19p13.2.
Variant type: single nucleotide variant.
Coding change: c.377G>A on transcript NM_001136191.3 (MANE Select); coding-DNA position 377, G replaced by A.
Protein change: p.Arg126His; replaces arginine 126 with histidine.
Molecular consequence: missense variant.
Genome position (GRCh38, 1-based): chr19:11,193,703, C>T on the plus strand (G>A on the coding strand, the complement: KANK2 is on the minus strand). VCF-style: chr19-11193703-C-T. GRCh37 (hg19) VCF-style: chr19-11304379-C-T.
Other names: c.377G>A, p.Arg126His (NM_001329451.2, NM_001379548.1, NM_001379549.1 and 15 more transcripts); short protein forms R126H.
Identifiers: ClinVar variation 1990129 (VCV001990129.5), dbSNP rs1236077856, ClinGen allele CA404090319.

ClinVar aggregate classification (germline): Uncertain significance. Review status: criteria provided, multiple submitters, no conflicts (2 of 4 stars). 2 submissions from 2 submitters: Uncertain significance (2). Last evaluated 2025-06-12.

Submissions (2):

Labcorp Genetics (formerly Invitae), Labcorp
Classification: Uncertain significance. Last evaluated: 2025-06-12. Review status: criteria provided, single submitter. Criteria: Invitae Variant Classification Sherloc (09022015). Collection method: clinical testing. Allele origin: germline.
Comment: This sequence change replaces arginine, which is basic and polar, with histidine, which is basic and polar, at codon 126 of the KANK2 protein (p.Arg126His). This variant is present in population databases (no rsID available, gnomAD 0.004%). This variant has not been reported in the literature in individuals affected with KANK2-related conditions. ClinVar contains an entry for this variant (Variation ID: 1990129). An algorithm developed to predict the effect of missense changes on protein structure and function (PolyPhen-2) suggests that this variant is likely to be disruptive. In summary, the available evidence is currently insufficient to determine the role of this variant in disease. Therefore, it has been classified as a Variant of Uncertain Significance.

Ambry Genetics
Classification: Uncertain significance. Last evaluated: 2021-07-15. Review status: criteria provided, single submitter. Criteria: Ambry Variant Classification Scheme 2023. Collection method: clinical testing. Allele origin: germline.